The following is an entry in ClinVar:

ClinVar aggregate classification (germline): Uncertain significance (1 of 4 stars; one submission).

Conditions:
Primary dilated cardiomyopathy (DCM). Also called: Dilated Cardiomyopathy. Identifiers: Orphanet 217604, MedGen C0007193, MeSH D002311, MONDO:0005021, HP:0001644. Inheritance: Various modes of inheritance.

Submission:

Labcorp Genetics (formerly Invitae), Labcorp
Classification: Uncertain significance for Primary dilated cardiomyopathy. Last evaluated: 2022-08-12. Review status: criteria provided, single submitter. Criteria: Invitae Variant Classification Sherloc (09022015). Collection method: clinical testing. Allele origin: germline.
Comment: This variant has not been reported in the literature in individuals affected with NEBL-related conditions. This variant is not present in population databases (gnomAD no frequency). This sequence change replaces leucine, which is neutral and non-polar, with proline, which is neutral and non-polar, at codon 120 of the NEBL protein (p.Leu120Pro). Algorithms developed to predict the effect of missense changes on protein structure and function are either unavailable or do not agree on the potential impact of this missense change (SIFT: "Deleterious"; PolyPhen-2: "Probably Damaging"; Align-GVGD: "Class C0"). In summary, the available evidence is currently insufficient to determine the role of this variant in disease. Therefore, it has been classified as a Variant of Uncertain Significance.

NM_006393.3(NEBL):c.359T>C (p.Leu120Pro)

Gene: NEBL (nebulette; minus strand). Cytogenetic location: 10p12.31.
Variant type: single nucleotide variant.
Coding change: c.359T>C on transcript NM_006393.3 (MANE Select); coding-DNA position 359, T replaced by C.
Protein change: p.Leu120Pro; replaces leucine 120 with proline.
Molecular consequence: missense variant. On other transcripts: intron variant (9).
Genome position (GRCh38, 1-based): chr10:20,888,107, A>G on the plus strand (T>C on the coding strand, the complement: NEBL is on the minus strand). VCF-style: chr10-20888107-A-G. GRCh37 (hg19) VCF-style: chr10-21177036-A-G.
Other names: c.249+73565T>C (NM_001377326.1, NM_001377327.1, NM_001377328.1); c.357+73565T>C (NM_213569.2, NM_001173484.2, NM_001377322.1); c.300+73565T>C (NM_001377324.1); c.291+73565T>C (NM_001377325.1); c.309+73565T>C (NM_001377323.1); short protein forms L120P.
Identifiers: ClinVar variation 2008589 (VCV002008589.4), dbSNP rs1279189758, ClinGen allele CA376095928.